The following is an entry in ClinVar:

ClinVar aggregate classification (germline): Uncertain significance. Review status: criteria provided, multiple submitters, no conflicts (2 of 4 stars). 2 submissions from 2 submitters: Uncertain significance (2). Last evaluated 2022-03-05.

Conditions:
Charcot-Marie-Tooth disease type 4. Also called: Charcot-Marie-Tooth, Type 4; Charcot-Marie-Tooth disease, type IV. Identifiers: Orphanet 64749, MedGen C4082197, MONDO:0018995.
Peripheral neuropathy. Also called: Neuropathy. Identifiers: MedGen C0031117, MONDO:0005244, HP:0009830.

Allele frequency attached by ClinVar (database versions not stated): TOPMed below 0.00001; ESP Exome Variant Server 0.00008; gnomAD exomes 0.00001.
gnomAD v4.1: 4 of 1,614,024 alleles (0.00025%); highest among the groups gnomAD compares: Non-Finnish European, 0.00034%; no homozygotes.

Submissions (2):

Labcorp Genetics (formerly Invitae), Labcorp
Classification: Uncertain significance for Charcot-Marie-Tooth disease type 4. Last evaluated: 2022-03-05. Review status: criteria provided, single submitter. Criteria: Invitae Variant Classification Sherloc (09022015). Collection method: clinical testing. Allele origin: germline.
Comment: This sequence change replaces alanine, which is neutral and non-polar, with threonine, which is neutral and polar, at codon 779 of the PRX protein (p.Ala779Thr). The frequency data for this variant in the population databases is considered unreliable, as metrics indicate poor data quality at this position in the gnomAD database. This variant has not been reported in the literature in individuals affected with PRX-related conditions. ClinVar contains an entry for this variant (Variation ID: 397620). Algorithms developed to predict the effect of missense changes on protein structure and function are either unavailable or do not agree on the potential impact of this missense change (SIFT: "Tolerated"; PolyPhen-2: "Possibly Damaging"; Align-GVGD: "Class C0"). In summary, the available evidence is currently insufficient to determine the role of this variant in disease. Therefore, it has been classified as a Variant of Uncertain Significance.

Claritas Genomics
Classification: Uncertain significance for Peripheral neuropathy. Last evaluated: 2016-08-22. Review status: criteria provided, single submitter. Criteria: ACMG Guidelines, 2015. Collection method: clinical testing. Allele origin: germline. Affected: yes.

NM_181882.3(PRX):c.2335G>A (p.Ala779Thr)

Gene: PRX (periaxin; minus strand). Cytogenetic location: 19q13.2.
Variant type: single nucleotide variant.
Coding change: c.2335G>A on transcript NM_181882.3 (MANE Select); coding-DNA position 2335, G replaced by A.
Protein change: p.Ala779Thr; replaces alanine 779 with threonine.
Molecular consequence: missense variant. On other transcripts: 3 prime UTR variant (1).
Genome position (GRCh38, 1-based): chr19:40,396,017, C>T on the plus strand (G>A on the coding strand, the complement: PRX is on the minus strand). VCF-style: chr19-40396017-C-T. GRCh37 (hg19) VCF-style: chr19-40901924-C-T.
Other names: c.*2540G>A (NM_020956.2); short protein forms A779T.
Identifiers: ClinVar variation 397620 (VCV000397620.7), dbSNP rs369505684, ClinGen allele CA16609474.